The following is an entry in ClinVar:

ClinVar aggregate classification (germline): Uncertain significance (1 of 4 stars; one submission).

Conditions:
Leber congenital amaurosis 7 (LCA7). Identifiers: Orphanet 65, MedGen C3151192, MONDO:0013449, OMIM 613829.
Cone-rod dystrophy 2 (CORD2). Also called: CONE-ROD RETINAL DYSTROPHY; Cone-rod retinal dystrophy 2. Identifiers: Orphanet 1872, MedGen C3489532, MONDO:0007362, OMIM 120970.

Submission:

Labcorp Genetics (formerly Invitae), Labcorp
Classification: Uncertain significance for Cone-rod dystrophy 2; Leber congenital amaurosis 7. Last evaluated: 2019-09-11. Review status: criteria provided, single submitter. Criteria: Invitae Variant Classification Sherloc (09022015). Collection method: clinical testing. Allele origin: germline.
Comment: This variant is a gross deletion of the genomic region encompassing exon 4 of the CRX gene. The 5' boundary is likely confined to intron 3. The 3' end of this event is unknown as it extends through the termination codon beyond the assayed region for this gene and may encompass additional genes. While this deletion is not anticipated to result in nonsense mediated decay, it is expected to create a truncated protein product or disrupt mRNA translation. This variant has been observed in a family affected with autosomal recessive Leber congenital amaurosis (LCA) (PMID: 24265693). The father of the affected individuals, who was heterozygous for this variant, had no symptoms of autosomal dominant retinal degeneration. In summary, the available evidence is currently insufficient to determine the role of this variant in disease. Therefore, it has been classified as a Variant of Uncertain Significance.

Literature cited by the submitters: PubMed 24265693.

NC_000019.10:g.(?_47839320)_(47839967_?)del

Gene: CRX (cone-rod homeobox; plus strand). Cytogenetic location: 19q13.33.
Variant type: Deletion.
Identifiers: ClinVar variation 830932 (VCV000830932.1).